The following is an entry in ClinVar:

NM_000152.5(GAA):c.1371del (p.Tyr458fs)

Gene: GAA (alpha glucosidase; plus strand). Cytogenetic location: 17q25.3.
Variant type: Deletion.
Coding change: c.1371del on transcript NM_000152.5 (MANE Select); coding-DNA position 1371, one base deleted (C; older notation c.1371delC).
Protein change: p.Tyr458fs; shifts the reading frame from tyrosine 458.
Molecular consequence: frameshift variant.
Genome position (GRCh38, 1-based): chr17:80,109,989, C deleted; the last of 3 consecutive C bases (chr17:80,109,987-80,109,989); deleting any one gives the same sequence. VCF-style (leftmost placement, unchanged base first): chr17-80109986-GC-G. GRCh37 (hg19) VCF-style: chr17-78083785-GC-G.
Other names: c.1371del, p.Tyr458fs (NM_001079803.3, NM_001079804.3, NM_001406741.1 and 1 more transcripts); short protein forms Y458fs.
Identifiers: ClinVar variation 4876335 (VCV004876335.1).

ClinVar aggregate classification (germline): Pathogenic (1 of 4 stars; one submission).

Conditions:
Glycogen storage disease, type II (IOPD). Also called: Pompe Disease; CARDIOMEGALIA GLYCOGENICA DIFFUSA; GLYCOGENOSIS, GENERALIZED, CARDIAC FORM; GSD II; POMPE DISEASE, INFANTILE-ONSET; GLYCOGEN STORAGE DISEASE II, INFANTILE-ONSET. Identifiers: Orphanet 365, MedGen C0017921, MONDO:0009290, OMIM 232300.

Submission:

Genomenon, Inc
Classification: Pathogenic for Glycogen storage disease, type II. Last evaluated: 2026-07-01. Review status: criteria provided, single submitter. Criteria: Genomenon Sequence Variant Interpretation Standards - Updated. Collection method: curation. Allele origin: germline. Affected: yes.
Comment: GAA p.Tyr458ThrfsTer19 (c.1371del) is a frameshift variant that is predicted to introduce a premature termination codon and result in a truncated or absent protein product. This variant has been observed in at least one proband with a GAA-related disorder (PMID:17573812). It is absent or not present at a significant frequency in gnomAD. In conclusion, we classify GAA p.Tyr458ThrfsTer19 (c.1371del) as a pathogenic variant.

Literature cited by the submitters: PubMed 17573812.